The following is an entry in ClinVar:

NM_014989.7(RIMS1):c.1328A>G (p.Gln443Arg)

Gene: RIMS1 (regulating synaptic membrane exocytosis 1; plus strand). Cytogenetic location: 6q13.
Variant type: single nucleotide variant.
Coding change: c.1328A>G on transcript NM_014989.7 (MANE Select); coding-DNA position 1328, A replaced by G.
Protein change: p.Gln443Arg; replaces glutamine 443 with arginine.
Molecular consequence: missense variant.
Genome position (GRCh38, 1-based): chr6:72,182,799, A>G. VCF-style: chr6-72182799-A-G. GRCh37 (hg19) VCF-style: chr6-72892502-A-G.
Other names: short protein forms Q443R.
Identifiers: ClinVar variation 3610362 (VCV003610362.2).
Genomic context (GRCh38, chr6:72,182,799, plus strand): 5'-ACTCGCCGCGGGCTTACTCGGCTGAGAGAACTGCGGAGACCAGGGCGCCGGGCGCCAAGC[A>G]GCTAACGAACCACAGCCCGCCGGCGCCCAGACATGGGCCGGTTCCCGCAGAAGCCCCGGA-3'
Protein context (NP_055804.2, residues 433-453): TAETRAPGAK[Gln443Arg]LTNHSPPAPR

ClinVar aggregate classification (germline): Uncertain significance (1 of 4 stars; one submission).

gnomAD v4.1: 2 of 1,548,082 alleles (0.00013%); highest among the groups gnomAD compares: Admixed American, 0.0019%; no homozygotes.

Submission:

Labcorp Genetics (formerly Invitae), Labcorp
Classification: Uncertain significance. Last evaluated: 2024-04-30. Review status: criteria provided, single submitter. Criteria: Invitae Variant Classification Sherloc (09022015). Collection method: clinical testing. Allele origin: germline.
Comment: This sequence change replaces glutamine, which is neutral and polar, with arginine, which is basic and polar, at codon 443 of the RIMS1 protein (p.Gln443Arg). This variant is not present in population databases (gnomAD no frequency). This variant has not been reported in the literature in individuals affected with RIMS1-related conditions. An algorithm developed to predict the effect of missense changes on protein structure and function (PolyPhen-2) suggests that this variant is likely to be tolerated. In summary, the available evidence is currently insufficient to determine the role of this variant in disease. Therefore, it has been classified as a Variant of Uncertain Significance.